The following is an entry in ClinVar:

ClinVar aggregate classification (germline): Uncertain significance (1 of 4 stars; one submission).

Conditions:
Congenital contractural arachnodactyly (CCA). Also called: Beals-Hecht syndrome; BEALS SYNDROME; Arthrogryposis, distal, type 9. Identifiers: Orphanet 115, MedGen C0220668, MONDO:0007363, OMIM 121050.

Allele frequency attached by ClinVar (database versions not stated): gnomAD 0.00001; TOPMed 0.00001; 1000 Genomes Project 30x 0.00016; 1000 Genomes Project 0.00020.
gnomAD v4.1: 5 of 1,613,712 alleles (0.00031%); highest among the groups gnomAD compares: Admixed American, 0.0067%; no homozygotes.

Submission:

Labcorp Genetics (formerly Invitae), Labcorp
Classification: Uncertain significance for Congenital contractural arachnodactyly. Last evaluated: 2017-06-12. Review status: criteria provided, single submitter. Criteria: Invitae Variant Classification Sherloc (09022015). Collection method: clinical testing. Allele origin: germline.
Comment: This sequence change replaces aspartic acid with glutamic acid at codon 802 of the FBN2 protein (p.Asp802Glu). The aspartic acid residue is moderately conserved and there is a small physicochemical difference between aspartic acid and glutamic acid. This variant is present in population databases (rs568169177, ExAC 0.03%). This variant has not been reported in the literature in individuals with a FBN2-related disease. Algorithms developed to predict the effect of missense changes on protein structure and function (SIFT, PolyPhen-2, Align-GVGD) all suggest that this variant is likely to be tolerated, but these predictions have not been confirmed by published functional studies and their clinical significance is uncertain. In summary, this variant has uncertain impact on FBN2 function. The available evidence is currently insufficient to determine its role in disease. Therefore, it has been classified as a Variant of Uncertain Significance.

NM_001999.4(FBN2):c.2406T>A (p.Asp802Glu)

Gene: FBN2 (fibrillin 2; minus strand). Cytogenetic location: 5q23.3.
Variant type: single nucleotide variant.
Coding change: c.2406T>A on transcript NM_001999.4 (MANE Select); coding-DNA position 2406, T replaced by A.
Protein change: p.Asp802Glu; replaces aspartic acid 802 with glutamic acid.
Molecular consequence: missense variant.
Genome position (GRCh38, 1-based): chr5:128,364,622, A>T on the plus strand (T>A on the coding strand, the complement: FBN2 is on the minus strand). VCF-style: chr5-128364622-A-T. GRCh37 (hg19) VCF-style: chr5-127700315-A-T.
Other names: short protein forms D802E.
Identifiers: ClinVar variation 458743 (VCV000458743.9), dbSNP rs568169177, ClinGen allele CA3395561.